The following is an entry in ClinVar:

ClinVar aggregate classification (germline): Uncertain significance (1 of 4 stars; one submission).

Allele frequency attached by ClinVar (database versions not stated): TOPMed below 0.00001; gnomAD exomes 0.00001; ExAC 0.00002.
gnomAD v4.1: 4 of 1,614,152 alleles (0.00025%); highest among the groups gnomAD compares: East Asian, 0.0089%; no homozygotes.

Submission:

Labcorp Genetics (formerly Invitae), Labcorp
Classification: Uncertain significance. Last evaluated: 2022-09-24. Review status: criteria provided, single submitter. Criteria: Invitae Variant Classification Sherloc (09022015). Collection method: clinical testing. Allele origin: germline.
Comment: This sequence change replaces aspartic acid, which is acidic and polar, with asparagine, which is neutral and polar, at codon 1469 of the KMT2A protein (p.Asp1469Asn). This variant is present in population databases (rs781937325, gnomAD 0.03%). This variant has not been reported in the literature in individuals affected with KMT2A-related conditions. Advanced modeling of protein sequence and biophysical properties (such as structural, functional, and spatial information, amino acid conservation, physicochemical variation, residue mobility, and thermodynamic stability) has been performed at Invitae for this missense variant, however the output from this modeling did not meet the statistical confidence thresholds required to predict the impact of this variant on KMT2A protein function. In summary, the available evidence is currently insufficient to determine the role of this variant in disease. Therefore, it has been classified as a Variant of Uncertain Significance.

NM_001197104.2(KMT2A):c.4405G>A (p.Asp1469Asn)

Gene: KMT2A (lysine methyltransferase 2A; plus strand). Cytogenetic location: 11q23.3.
Variant type: single nucleotide variant.
Coding change: c.4405G>A on transcript NM_001197104.2 (MANE Select); coding-DNA position 4405, G replaced by A.
Protein change: p.Asp1469Asn; replaces aspartic acid 1469 with asparagine.
Molecular consequence: missense variant.
Genome position (GRCh38, 1-based): chr11:118,488,686, G>A. VCF-style: chr11-118488686-G-A. GRCh37 (hg19) VCF-style: chr11-118359401-G-A.
Other names: c.4504G>A, p.Asp1502Asn (NM_001412597.1); c.4405G>A, p.Asp1469Asn (NM_005933.4); short protein forms D1469N, D1502N.
Identifiers: ClinVar variation 2174297 (VCV002174297.4), dbSNP rs781937325, ClinGen allele CA6303867.
Genomic context (GRCh38, chr11:118,488,686, plus strand): 5'-CAAGTCTGTTGTGAGCCCTTCCACAAGTTTTGTTTAGAGGAGAACGAGCGCCCTCTGGAG[G>A]ACCAGCTGGAAAATTGGTGTTGTCGTCGTTGCAAATTCTGTCACGTTTGTGGAAGGCAAC-3'
Protein context (NP_001184033.1, residues 1459-1479): CLEENERPLE[Asp1469Asn]QLENWCCRRC